The following is an entry in ClinVar:

NM_000091.5(COL4A3):c.4643_4661del (p.Cys1548fs)

Genes: COL4A3 (collagen type IV alpha 3 chain; plus strand), MFF-DT (MFF divergent transcript; minus strand). Cytogenetic location: 2q36.3.
Variant type: Deletion.
Coding change: c.4643_4661del on transcript NM_000091.5 (MANE Select); coding-DNA positions 4643 to 4661, 19 bases deleted (GCACTGTTTGTGAAGGTCC).
Protein change: p.Cys1548fs; shifts the reading frame from cysteine 1548.
Molecular consequence: frameshift variant.
Genome position (GRCh38, 1-based): chr2:227,309,206-227,309,224, GCACTGTTTGTGAAGGTCC deleted. VCF-style (leftmost placement, unchanged base first): chr2-227309205-TGCACTGTTTGTGAAGGTCC-T. GRCh37 (hg19) VCF-style: chr2-228173921-TGCACTGTTTGTGAAGGTCC-T.
Other names: c.4643_4661del19, p.Cys1548Leufs (NM_000091.4); short protein forms C1548fs.
Identifiers: ClinVar variation 4064978 (VCV004064978.2).
Genomic context (GRCh38, chr2:227,309,205, plus strand): 5'-GCAGCACATGACAGTGCAGAAAGTGGCAATGCCGCCATAGTCTTTGTTTCATGTTACAGA[TGCACTGTTTGTGAAGGTCC>T]TGCGATCGCCATAGCCGTTCACAGCCAAACCACTGACATTCCTCCATGTCCTCACGGCTG-3'

ClinVar aggregate classification (germline): Likely pathogenic (1 of 4 stars; one submission).

Conditions:
Alport syndrome. Also called: Hemorrhagic familial nephritis; Hemorrhagic hereditary nephritis; Congenital hereditary hematuria. Identifiers: Orphanet 63, MedGen C1567741, MONDO:0018965.

Submission:

Natera, Inc.
Classification: Likely pathogenic for Alport syndrome. Last evaluated: 2025-02-14. Review status: criteria provided, single submitter. Criteria: Natera Variant Classification Schema (03/2026). Collection method: clinical testing. Allele origin: germline.
Comment: The c.4643_4661del variant in COL4A3 is a frameshift variant predicted to shift the reading frame beginning at codon 1548 and leads to a stop codon 5 codons downstream. This variant is expected to result in nonsense mediated decay, truncation, or a dysfunctional protein product. This variant is rare in the general population with a frequency below the threshold expected for the associated phenotype(s). Given the available evidence, this variant is classified as Likely Pathogenic.